The following is an entry in ClinVar:

ClinVar aggregate classification (germline): Uncertain significance. Review status: criteria provided, multiple submitters, no conflicts (2 of 4 stars). 7 submissions from 7 submitters: Uncertain significance (6). 1 of the submissions does not count toward it. Last evaluated 2025-05-27.

Conditions:
Cardiovascular phenotype. Identifiers: MedGen CN230736.
Familial long QT syndrome (RWS). Also called: Congenital long QT syndrome; Romano-Ward syndrome; VENTRICULAR FIBRILLATION WITH PROLONGED QT INTERVAL. Identifiers: Orphanet 768, MedGen C1141890, MONDO:0019171.
Short QT syndrome type 1. Identifiers: Orphanet 51083, MedGen C1865020, MONDO:0012312, OMIM 609620.
Long QT syndrome 2 (LQT2). Identifiers: Orphanet 101016, Orphanet 768, MedGen C3150943, MONDO:0013367, OMIM 613688.
Long QT syndrome (LQTS). Identifiers: MedGen C0023976, MeSH D008133, MONDO:0002442. Disease mechanism: loss of function. Inheritance: Various modes of inheritance.

Allele frequency attached by ClinVar (database versions not stated): ExAC 0.00001.
gnomAD v4.1: 7 of 1,614,112 alleles (0.00043%); highest among the groups gnomAD compares: African/African-American, 0.0013%; no homozygotes.

Submissions (7):

GeneDx
Classification: Uncertain significance. Last evaluated: 2025-05-27. Review status: criteria provided, single submitter. Criteria: GeneDx Variant Classification Process June 2021. Collection method: clinical testing. Allele origin: germline. Affected: yes.
Comment: Not observed at significant frequency in large population cohorts (gnomAD); In silico analysis supports that this missense variant has a deleterious effect on protein structure/function; This variant is associated with the following publications: (PMID: 32893267, 15840476, 19695459)

Labcorp Genetics (formerly Invitae), Labcorp
Classification: Uncertain significance for Long QT syndrome. Last evaluated: 2024-10-22. Review status: criteria provided, single submitter. Criteria: Invitae Variant Classification Sherloc (09022015). Collection method: clinical testing. Allele origin: germline.
Comment: This sequence change replaces serine, which is neutral and polar, with leucine, which is neutral and non-polar, at codon 320 of the KCNH2 protein (p.Ser320Leu). This variant is present in population databases (rs199472886, gnomAD 0.0009%). This missense change has been observed in individual(s) with clinical features of long QT syndrome (PMID: 15840476, 19695459, 32893267). ClinVar contains an entry for this variant (Variation ID: 67550). An algorithm developed to predict the effect of missense changes on protein structure and function (PolyPhen-2) suggests that this variant is likely to be tolerated. In summary, the available evidence is currently insufficient to determine the role of this variant in disease. Therefore, it has been classified as a Variant of Uncertain Significance.

Molecular Genetics, Royal Melbourne Hospital
Classification: Uncertain significance for Long QT syndrome 2. Last evaluated: 2024-01-05. Review status: criteria provided, single submitter. Criteria: ACMG Guidelines, 2015. Collection method: clinical testing. Allele origin: germline. Inheritance: Autosomal dominant inheritance.
Comment: This sequence change in KCNH2 is predicted to replace serine with leucine at codon 320, p.(Ser320Leu). The serine residue is highly conserved (100 vertebrates, UCSC), and is located in the N-terminus region, amino acids 306-403, which is defined as a mutational hot spot (PMID: 32893267). There is a large physicochemical difference between serine and leucine. The variant is present in a single European (non-Finnish) individual in the population database gnomAD v2.1 (1/113,016 alleles). This variant has been reported in at least three probands with long QT syndrome (PMID: 15840476, 18441445, 19695459). Computational evidence predicts a deleterious effect for the missense substitution (REVEL = 0.846). Based on the classification scheme RMH Modified ACMG/AMP Guidelines v1.6.1, this variant is classified as a VARIANT OF UNCERTAIN SIGNIFICANCE. Following criteria are met: PM1_Supporting, PM2_Supporting, PP3, PS4_Supporting.

Blueprint Genetics
Classification: Uncertain significance. Last evaluated: 2023-04-28. Review status: criteria provided, single submitter. Criteria: ACMG Guidelines, 2015. Collection method: clinical testing. Allele origin: germline.

Fulgent Genetics
Classification: Uncertain significance for Short QT syndrome type 1; Long QT syndrome 2. Last evaluated: 2021-10-19. Review status: criteria provided, single submitter. Criteria: ACMG Guidelines, 2015. Collection method: clinical testing. Allele origin: unknown.

Ambry Genetics
Classification: Uncertain significance for Cardiovascular phenotype. Last evaluated: 2021-02-05. Review status: criteria provided, single submitter. Criteria: Ambry Variant Classification Scheme 2023. Collection method: clinical testing. Allele origin: germline.

Cardiovascular Biomedical Research Unit, Royal Brompton & Harefield NHS Foundation Trust
No classification provided. Condition: Familial long QT syndrome. Review status: no classification provided. Collection method: literature only. Allele origin: germline. Not counted in ClinVar's aggregate classification.
Comment: This variant has been reported as associated with Long QT syndrome in the following publications (PMID:15840476). This is a literature report, and does not necessarily reflect the clinical interpretation of the Imperial College / Royal Brompton Cardiovascular Genetics laboratory.

Literature cited by the submitters: PubMed 15840476 (cited by 3 submitters); PubMed 19695459 (cited by Labcorp Genetics (formerly Invitae), Labcorp and Molecular Genetics, Royal Melbourne Hospital); PubMed 32893267 (cited by Labcorp Genetics (formerly Invitae), Labcorp and Molecular Genetics, Royal Melbourne Hospital); PubMed 18441445 (cited by Molecular Genetics, Royal Melbourne Hospital); PubMed 22581653 (cited by Cardiovascular Biomedical Research Unit, Royal Brompton & Harefield NHS Foundation Trust).

NM_000238.4(KCNH2):c.959C>T (p.Ser320Leu)

Gene: KCNH2 (potassium voltage-gated channel subfamily H member 2; minus strand). Cytogenetic location: 7q36.1.
Variant type: single nucleotide variant.
Coding change: c.959C>T on transcript NM_000238.4 (MANE Select); coding-DNA position 959, C replaced by T.
Protein change: p.Ser320Leu; replaces serine 320 with leucine.
Molecular consequence: missense variant.
Genome position (GRCh38, 1-based): chr7:150,957,460, G>A on the plus strand (C>T on the coding strand, the complement: KCNH2 is on the minus strand). VCF-style: chr7-150957460-G-A. GRCh37 (hg19) VCF-style: chr7-150654548-G-A.
Other names: c.959C>T (LRG_288t1, NM_000238.2); c.659C>T, p.Ser220Leu (NM_001406757.1); c.959C>T, p.Ser320Leu (NM_172056.3); c.671C>T, p.Ser224Leu (NM_001406753.1, NM_001406756.1); c.782C>T, p.Ser261Leu (NM_001406755.1); short protein forms S320L, S220L, S261L, S224L.
Identifiers: ClinVar variation 67550 (VCV000067550.12), dbSNP rs199472886, ClinGen allele CA009040.